The following is an entry in ClinVar:

NM_004387.4(NKX2-5):c.739C>A (p.Pro247Thr)

Gene: NKX2-5 (NK2 homeobox 5; minus strand). Cytogenetic location: 5q35.1.
Variant type: single nucleotide variant.
Coding change: c.739C>A on transcript NM_004387.4 (MANE Select); coding-DNA position 739, C replaced by A.
Protein change: p.Pro247Thr; replaces proline 247 with threonine.
Molecular consequence: missense variant. On other transcripts: 3 prime UTR variant (2).
Genome position (GRCh38, 1-based): chr5:173,232,805, G>T on the plus strand (C>A on the coding strand, the complement: NKX2-5 is on the minus strand). VCF-style: chr5-173232805-G-T. GRCh37 (hg19) VCF-style: chr5-172659808-G-T.
Other names: c.*692C>A (NM_001166175.2); c.*538C>A (NM_001166176.2); short protein forms P247T.
Identifiers: ClinVar variation 1758695 (VCV001758695.2), dbSNP rs780348618, ClinGen allele CA3563653.

ClinVar aggregate classification (germline): Uncertain significance (1 of 4 stars; one submission).

Conditions:
Cardiovascular phenotype. Identifiers: MedGen CN230736.

Submission:

Ambry Genetics
Classification: Uncertain significance for Cardiovascular phenotype. Last evaluated: 2020-06-04. Review status: criteria provided, single submitter. Criteria: Ambry Variant Classification Scheme 2023. Collection method: clinical testing. Allele origin: germline.
Comment: The p.P247T variant (also known as c.739C>A), located in coding exon 2 of the NKX2-5 gene, results from a C to A substitution at nucleotide position 739. The proline at codon 247 is replaced by threonine, an amino acid with highly similar properties. This amino acid position is poorly conserved in available vertebrate species. In addition, this alteration is predicted to be tolerated by in silico analysis. Since supporting evidence is limited at this time, the clinical significance of this alteration remains unclear.